The following is an entry in ClinVar:

ClinVar aggregate classification (germline): Benign/Likely benign. Review status: criteria provided, multiple submitters, no conflicts (2 of 4 stars). 8 submissions from 8 submitters: Benign (7); Likely benign (1). Last evaluated 2026-02-04.

Conditions:
Carnitine acylcarnitine translocase deficiency (CACTD). Identifiers: Orphanet 159, MedGen C0342791, MONDO:0008918, OMIM 212138.

Allele frequency attached by ClinVar (database versions not stated): ExAC 0.99135; gnomAD exomes 0.99177; gnomAD 0.99315 and 0.99352; ESP Exome Variant Server 0.99331; TOPMed 0.99432; 1000 Genomes Project 30x 0.99485; 1000 Genomes Project 0.99521.
gnomAD v4.1: 1,588,325 of 1,601,094 alleles (99%); highest among the groups gnomAD compares: East Asian, 100%; 787,867 homozygotes.

Submissions (8):

Labcorp Genetics (formerly Invitae), Labcorp
Classification: Benign for Carnitine acylcarnitine translocase deficiency. Last evaluated: 2026-02-04. Review status: criteria provided, single submitter. Criteria: Invitae Variant Classification Sherloc (09022015). Collection method: clinical testing. Allele origin: germline.

Mayo Clinic Laboratories, Mayo Clinic
Classification: Likely benign. Last evaluated: 2025-12-15. Review status: criteria provided, single submitter. Criteria: ACMG Guidelines, 2015. Collection method: clinical testing. Allele origin: germline. Observed: 74 variant alleles.
Comment: BA1, BP4, BP7

Blueprint Genetics
Classification: Benign. Last evaluated: 2024-11-26. Review status: criteria provided, single submitter. Criteria: ACMG Guidelines, 2015. Collection method: clinical testing. Allele origin: germline.

Genome-Nilou Lab
Classification: Benign for Carnitine acylcarnitine translocase deficiency. Last evaluated: 2021-07-15. Review status: criteria provided, single submitter. Criteria: ACMG Guidelines, 2015. Collection method: clinical testing. Allele origin: germline. Affected: no.

Women's Health and Genetics/Laboratory Corporation of America, LabCorp
Classification: Benign. Last evaluated: 2018-01-05. Review status: criteria provided, single submitter. Criteria: LabCorp Variant Classification Summary - May 2015. Collection method: clinical testing. Allele origin: germline.
Comment: Variant summary: The SLC25A20 c.536-18T>C variant involves the alteration of a non-conserved intronic nucleotide. One in silico tool predicts a benign outcome for this variant. 5/5 splice prediction tools predict no significant impact on normal splicing. However, these predictions have yet to be confirmed by functional studies. This variant was found in 274883/277058 control chromosomes (136381 homozygotes) at a frequency of 0.9921497, which makes it the major allele in the general population and is approximately 887 times the estimated maximal expected allele frequency of a pathogenic SLC25A20 variant (0.001118), strongly suggesting this variant is likely a benign polymorphism. In addition, multiple clinical diagnostic laboratories/reputable databases classified this variant as benign. The variant of interest has not, to our knowledge, been reported in affected individuals via publications and/or reputable databases/clinical diagnostic laboratories; nor evaluated for functional impact by in vivo/vitro studies. Taken together, this variant is classified as benign.

Eurofins Ntd Llc (ga)
Classification: Benign. Last evaluated: 2016-03-02. Review status: criteria provided, single submitter. Criteria: EGL Classification Definitions 2015. Collection method: clinical testing. Allele origin: germline. Observed: 21 variant alleles, 21 homozygotes.

GeneDx
Classification: Benign. Last evaluated: 2013-05-29. Review status: criteria provided, single submitter. Criteria: GeneDx Variant Classification (06012015). Collection method: clinical testing. Allele origin: germline. Affected: yes.
Comment: This variant is considered likely benign or benign based on one or more of the following criteria: it is a conservative change, it occurs at a poorly conserved position in the protein, it is predicted to be benign by multiple in silico algorithms, and/or has population frequency not consistent with disease.

Breakthrough Genomics
Classification: Benign. Review status: criteria provided, single submitter. Criteria: ACMG Guidelines, 2015. Collection method: not provided. Allele origin: germline. Inheritance: Autosomal recessive inheritance. Affected: yes.

NM_000387.6(SLC25A20):c.536-18T>C

Gene: SLC25A20 (solute carrier family 25 member 20; minus strand). Cytogenetic location: 3p21.31.
Variant type: single nucleotide variant.
Coding change: c.536-18T>C on transcript NM_000387.6 (MANE Select); 18 bases into the intron before coding-DNA position 536, T replaced by C.
Molecular consequence: intron variant.
Genome position (GRCh38, 1-based): chr3:48,859,645, A>G on the plus strand (T>C on the coding strand, the complement: SLC25A20 is on the minus strand). VCF-style: chr3-48859645-A-G. GRCh37 (hg19) VCF-style: chr3-48897078-A-G.
Other names: p.?.
Identifiers: ClinVar variation 92883 (VCV000092883.18), dbSNP rs6414612, ClinGen allele CA285342.